The following is an entry in ClinVar:

ClinVar aggregate classification (germline): Conflicting classifications of pathogenicity. Review status: criteria provided, conflicting classifications (1 of 4 stars). 2 submissions from 2 submitters: Uncertain significance (1); Likely benign (1). Last evaluated 2026-01-26.

Conditions:
RYR1-related disorder. Also called: RYR1-related disorders; RYR1-related condition. Identifiers: MedGen CN239331.
Malignant hyperthermia, susceptibility to, 1 (MHS1). Also called: Malignant hyperthermia suceptibility 1; RYR1-Related Malignant Hyperthermia Susceptibility; Anesthesia related hyperthermia; Malignant hyperpyrexia; Fulminating hyperpyrexia; Pharmacogenic myopathy. Identifiers: Orphanet 423, MedGen C2930980, MONDO:0007783, OMIM 145600.

Allele frequency attached by ClinVar (database versions not stated): gnomAD exomes 0.00001 and 0.00003; gnomAD 0.00004 and 0.00002; ESP Exome Variant Server 0.00008; 1000 Genomes Project 30x 0.00016; 1000 Genomes Project 0.00020; TOPMed 0.00003; ExAC 0.00004.
gnomAD v4.1: 14 of 1,613,740 alleles (0.00087%); highest among the groups gnomAD compares: Admixed American, 0.0083%; no homozygotes.

Submissions (2):

Labcorp Genetics (formerly Invitae), Labcorp
Classification: Likely benign for RYR1-related disorder. Last evaluated: 2026-01-26. Review status: criteria provided, single submitter. Criteria: Invitae Variant Classification Sherloc (09022015). Collection method: clinical testing. Allele origin: germline.

All of Us Research Program, National Institutes of Health
Classification: Uncertain significance for Malignant hyperthermia, susceptibility to, 1. Last evaluated: 2023-04-03. Review status: criteria provided, single submitter. Criteria: ACMG Guidelines, 2015. Collection method: clinical testing. Allele origin: germline. Inheritance: Autosomal dominant inheritance. Observed: 1 variant allele, 1 heterozygote.
Comment: This variant is located in the RYR1 protein. To our knowledge, functional studies have not been reported for this variant. This variant has not been reported in individuals affected with RYR1-related disorders in the literature. This variant has been identified in 10/280000 chromosomes in the general population by the Genome Aggregation Database (gnomAD). The available evidence is insufficient to determine the role of this variant in disease conclusively. Therefore, this variant is classified as a Variant of Uncertain Significance.

This study involves interpretation of variants in research participants for the purpose of population health screening. Participant phenotype was not available at the time of variant classification. Additional details can be found in publication PMID: 35346344, PMCID: PMC8962531

NM_000540.3(RYR1):c.11133G>A (p.Thr3711=)

Gene: RYR1 (ryanodine receptor 1; plus strand). Cytogenetic location: 19q13.2.
Variant type: single nucleotide variant.
Coding change: c.11133G>A on transcript NM_000540.3 (MANE Select); coding-DNA position 11133, G replaced by A.
Protein change: p.Thr3711=; no amino-acid change (threonine 3711 retained).
Molecular consequence: synonymous variant.
Genome position (GRCh38, 1-based): chr19:38,529,049, G>A. VCF-style: chr19-38529049-G-A. GRCh37 (hg19) VCF-style: chr19-39019689-G-A.
Other names: c.11118G>A, p.Thr3706= (NM_001042723.2).
Identifiers: ClinVar variation 1012451 (VCV001012451.16), dbSNP rs368980166, ClinGen allele CA055891.
Genomic context (GRCh38, chr19:38,529,049, plus strand): 5'-AGAGAAGAAGCCAGACCCCCTGCACCAGTTGGTCCTGCACTTCAGCCGCACTGCCCTGAC[G>A]GAAAAGAGGTGAAGACTCTTGCCAGGGCCCCAGAAATGCCCCCAAGGTCCTGGGGCCACC-3'
Protein context (NP_000531.2, residues 3701-3721): LVLHFSRTAL[Thr3711=]EKSKLDEDYL